The following is an entry in ClinVar:

ClinVar aggregate classification (germline): Uncertain significance. Review status: criteria provided, multiple submitters, no conflicts (2 of 4 stars). 2 submissions from 2 submitters: Uncertain significance (2). Last evaluated 2024-04-09.

Conditions:
Cowden syndrome 6 (CWS6). Identifiers: Orphanet 201, MedGen C3554519, MONDO:0014048, OMIM 615109.
Inborn genetic diseases. Identifiers: MedGen C0950123, MeSH D030342.

Allele frequency attached by ClinVar (database versions not stated): TOPMed below 0.00001; gnomAD exomes 0.00001 and below 0.00001.
gnomAD v4.1: 3 of 1,613,998 alleles (0.00019%); highest among the groups gnomAD compares: Admixed American, 0.0033%; no homozygotes.

Submissions (2):

Labcorp Genetics (formerly Invitae), Labcorp
Classification: Uncertain significance for Cowden syndrome 6. Last evaluated: 2024-04-09. Review status: criteria provided, single submitter. Criteria: Invitae Variant Classification Sherloc (09022015). Collection method: clinical testing. Allele origin: germline.
Comment: This sequence change replaces alanine, which is neutral and non-polar, with proline, which is neutral and non-polar, at codon 139 of the AKT1 protein (p.Ala139Pro). This variant is not present in population databases (gnomAD no frequency). This variant has not been reported in the literature in individuals affected with AKT1-related conditions. ClinVar contains an entry for this variant (Variation ID: 862215). An algorithm developed to predict the effect of missense changes on protein structure and function (PolyPhen-2) suggests that this variant is likely to be tolerated. In summary, the available evidence is currently insufficient to determine the role of this variant in disease. Therefore, it has been classified as a Variant of Uncertain Significance.

Ambry Genetics
Classification: Uncertain significance for Inborn genetic diseases. Last evaluated: 2024-02-12. Review status: criteria provided, single submitter. Criteria: Ambry Variant Classification Scheme 2023. Collection method: clinical testing. Allele origin: germline.
Comment: The p.A139P variant (also known as c.415G>C), located in coding exon 4 of the AKT1 gene, results from a G to C substitution at nucleotide position 415. The alanine at codon 139 is replaced by proline, an amino acid with highly similar properties. This amino acid position is conserved. In addition, this alteration is predicted to be tolerated by in silico analysis. Since supporting evidence is limited at this time, the clinical significance of this alteration remains unclear.

NM_001382430.1(AKT1):c.415G>C (p.Ala139Pro)

Gene: AKT1 (AKT serine/threonine kinase 1; minus strand). Cytogenetic location: 14q32.33.
Variant type: single nucleotide variant.
Coding change: c.415G>C on transcript NM_001382430.1 (MANE Select); coding-DNA position 415, G replaced by C.
Protein change: p.Ala139Pro; replaces alanine 139 with proline.
Molecular consequence: missense variant.
Genome position (GRCh38, 1-based): chr14:104,775,672, C>G on the plus strand (G>C on the coding strand, the complement: AKT1 is on the minus strand). VCF-style: chr14-104775672-C-G. GRCh37 (hg19) VCF-style: chr14-105242009-C-G.
Other names: c.415G>C, p.Ala139Pro (NM_001014431.2, NM_001014432.2, NM_001382431.1 and 3 more transcripts); short protein forms A139P.
Identifiers: ClinVar variation 862215 (VCV000862215.11), dbSNP rs1566818045, ClinGen allele CA391219986.